The following is an entry in ClinVar:

ClinVar aggregate classification (germline): Uncertain significance (1 of 4 stars; one submission).

Conditions:
Joubert syndrome. Also called: CEREBELLOPARENCHYMAL DISORDER IV; JOUBERT-BOLTSHAUSER SYNDROME; Familial aplasia of the vermis. Identifiers: Orphanet 475, MedGen C5979921, MONDO:0018772.
Orofaciodigital syndrome I (OFD1). Also called: OFDS I; Papillon-Leage and Psaume Syndrome; Oral-Facial-Digital Syndrome Type I. Identifiers: Orphanet 2750, MedGen C1510460, MONDO:0010702, OMIM 311200.

Allele frequency attached by ClinVar (database versions not stated): gnomAD exomes 0.00001; ExAC 0.00002.
gnomAD v4.1: 6 of 1,207,971 alleles (0.0005%); highest among the groups gnomAD compares: South Asian, 0.011%; no homozygotes.

Submission:

Labcorp Genetics (formerly Invitae), Labcorp
Classification: Uncertain significance for Orofaciodigital syndrome I; Joubert syndrome. Last evaluated: 2024-06-17. Review status: criteria provided, single submitter. Criteria: Invitae Variant Classification Sherloc (09022015). Collection method: clinical testing. Allele origin: germline.
Comment: This sequence change replaces glutamic acid, which is acidic and polar, with alanine, which is neutral and non-polar, at codon 319 of the OFD1 protein (p.Glu319Ala). This variant is present in population databases (rs767534734, gnomAD 0.02%). This variant has not been reported in the literature in individuals affected with OFD1-related conditions. ClinVar contains an entry for this variant (Variation ID: 1908343). Advanced modeling of protein sequence and biophysical properties (such as structural, functional, and spatial information, amino acid conservation, physicochemical variation, residue mobility, and thermodynamic stability) performed at Invitae indicates that this missense variant is not expected to disrupt OFD1 protein function with a negative predictive value of 80%. In summary, the available evidence is currently insufficient to determine the role of this variant in disease. Therefore, it has been classified as a Variant of Uncertain Significance.

NM_003611.3(OFD1):c.956A>C (p.Glu319Ala)

Gene: OFD1 (OFD1 centriole and centriolar satellite protein; plus strand). Cytogenetic location: Xp22.2.
Variant type: single nucleotide variant.
Coding change: c.956A>C on transcript NM_003611.3 (MANE Select); coding-DNA position 956, A replaced by C.
Protein change: p.Glu319Ala; replaces glutamic acid 319 with alanine.
Molecular consequence: missense variant. On other transcripts: intron variant (1).
Genome position (GRCh38, 1-based): chrX:13,751,269, A>C. VCF-style: chrX-13751269-A-C. GRCh37 (hg19) VCF-style: chrX-13769388-A-C.
Other names: c.536A>C, p.Glu179Ala (NM_001330210.2); c.935+1736A>C (NM_001330209.2); short protein forms E179A, E319A.
Identifiers: ClinVar variation 1908343 (VCV001908343.5), dbSNP rs767534734, ClinGen allele CA10351723.